The following is an entry in ClinVar:

NM_006949.4(STXBP2):c.1299G>A (p.Ala433=)

Gene: STXBP2 (syntaxin binding protein 2; plus strand). Cytogenetic location: 19p13.2.
Variant type: single nucleotide variant.
Coding change: c.1299G>A on transcript NM_006949.4 (MANE Select); coding-DNA position 1299, G replaced by A.
Protein change: p.Ala433=; no amino-acid change (alanine 433 retained).
Molecular consequence: synonymous variant. On other transcripts: non-coding transcript variant (1).
Genome position (GRCh38, 1-based): chr19:7,645,249, G>A. VCF-style: chr19-7645249-G-A. GRCh37 (hg19) VCF-style: chr19-7710135-G-A.
Other names: p.Ala433=; c.1290G>A, p.Ala430= (NM_001127396.3); c.1332G>A, p.Ala444= (NM_001272034.2).
Identifiers: ClinVar variation 765081 (VCV000765081.10), dbSNP rs542699433, ClinGen allele CA9144089.

ClinVar aggregate classification (germline): Likely benign. Review status: criteria provided, multiple submitters, no conflicts (2 of 4 stars). 3 submissions from 3 submitters: Likely benign (3). Last evaluated 2026-08-10.

Conditions:
Familial hemophagocytic lymphohistiocytosis 5. Also called: STXBP2-Related Familial Hemophagocytic Lymphohistiocytosis (STXBP2-fHLH). Identifiers: Orphanet 540, MedGen C2751293, MONDO:0013135, OMIM 613101.
STXBP2-related disorder. Also called: STXBP2-related condition.

Allele frequency attached by ClinVar (database versions not stated): gnomAD 0.00001 and 0.00003; TOPMed 0.00002; 1000 Genomes Project 30x 0.00016; gnomAD exomes 0.00019; 1000 Genomes Project 0.00020; ExAC 0.00049.
gnomAD v4.1: 128 of 1,582,850 alleles (0.0081%); highest among the groups gnomAD compares: South Asian, 0.13%; 1 homozygote.

Submissions (3):

PreventionGenetics, part of Exact Sciences
Classification: Likely benign for STXBP2-related condition. Last evaluated: 2026-08-10. Review status: criteria provided, single submitter. Criteria: ACMG Guidelines, 2015. Collection method: clinical testing. Allele origin: germline.
Comment: This variant is classified as likely benign based on ACMG/AMP sequence variant interpretation guidelines (Richards et al. 2015 PMID: 25741868, with internal and published modifications).

Labcorp Genetics (formerly Invitae), Labcorp
Classification: Likely benign for Familial hemophagocytic lymphohistiocytosis 5. Last evaluated: 2026-01-22. Review status: criteria provided, single submitter. Criteria: Invitae Variant Classification Sherloc (09022015). Collection method: clinical testing. Allele origin: germline.

Mayo Clinic Laboratories, Mayo Clinic
Classification: Likely benign. Last evaluated: 2024-12-11. Review status: criteria provided, single submitter. Criteria: ACMG Guidelines, 2015. Collection method: clinical testing. Allele origin: germline. Observed: 1 variant allele.
Comment: BP4, BP7